The following is an entry in ClinVar:

NM_019066.5(MAGEL2):c.2362A>T (p.Ser788Cys)

Gene: MAGEL2 (MAGE family member L2; minus strand). Cytogenetic location: 15q11.2.
Variant type: single nucleotide variant.
Coding change: c.2362A>T on transcript NM_019066.5 (MANE Select); coding-DNA position 2362, A replaced by T.
Protein change: p.Ser788Cys; replaces serine 788 with cysteine.
Molecular consequence: missense variant.
Genome position (GRCh38, 1-based): chr15:23,645,381, T>A on the plus strand (A>T on the coding strand, the complement: MAGEL2 is on the minus strand). VCF-style: chr15-23645381-T-A. GRCh37 (hg19) VCF-style: chr15-23890528-T-A.
Other names: short protein forms S788C.
Identifiers: ClinVar variation 697704 (VCV000697704.35), dbSNP rs113329438, ClinGen allele CA7429905.

ClinVar aggregate classification (germline): Likely benign. Review status: criteria provided, multiple submitters, no conflicts (2 of 4 stars). 5 submissions from 5 submitters: Likely benign (3). 2 of the submissions do not count toward it. Last evaluated 2026-01-19.

Conditions:
Inborn genetic diseases. Identifiers: MedGen C0950123, MeSH D030342.

Allele frequency attached by ClinVar (database versions not stated): gnomAD exomes 0.00014; ExAC 0.00015; 1000 Genomes Project 0.00020; 1000 Genomes Project 30x 0.00047; TOPMed 0.00050; ESP Exome Variant Server 0.00056; gnomAD 0.00083.

Submissions (5):

Labcorp Genetics (formerly Invitae), Labcorp
Classification: Likely benign. Last evaluated: 2026-01-19. Review status: criteria provided, single submitter. Criteria: Invitae Variant Classification Sherloc (09022015). Collection method: clinical testing. Allele origin: germline.

CeGaT Center for Human Genetics Tuebingen
Classification: Likely benign. Last evaluated: 2025-07-01. Review status: criteria provided, single submitter. Criteria: CeGaT Center For Human Genetics Tuebingen Variant Classification Criteria Version 2. Collection method: clinical testing. Allele origin: germline. Affected: yes. Observed: 2 variant alleles.
Comment: MAGEL2: BP4, BS1

Ambry Genetics
Classification: Likely benign for Inborn genetic diseases. Last evaluated: 2022-02-25. Review status: criteria provided, single submitter. Criteria: Ambry Variant Classification Scheme 2023. Collection method: clinical testing. Allele origin: germline.

Clinical Genetics DNA and cytogenetics Diagnostics Lab, Erasmus MC, Erasmus Medical Center
Classification: Uncertain significance. Review status: no assertion criteria provided. Collection method: clinical testing. Allele origin: germline. Affected: yes. Study: VKGL Data-share Consensus. Not counted in ClinVar's aggregate classification.

Laboratory of Diagnostic Genome Analysis, Leiden University Medical Center (LUMC)
Classification: Uncertain significance. Review status: no assertion criteria provided. Collection method: clinical testing. Allele origin: germline. Affected: yes. Study: VKGL Data-share Consensus. Not counted in ClinVar's aggregate classification.